The following is an entry in ClinVar:

ClinVar aggregate classification (germline): Uncertain significance (1 of 4 stars; one submission).

Conditions:
Polycystic kidney disease, adult type (PKD1). Also called: Polycystic Kidney, Autosomal Dominant; POLYCYSTIC KIDNEY DISEASE, ADULT, TYPE I; Polycystic Kidney Disease 1, Autosomal Dominant; Polycystic kidney disease 1; Polycystic kidney disease 1, severe; POLYCYSTIC KIDNEY DISEASE 1 WITH OR WITHOUT POLYCYSTIC LIVER DISEASE. Identifiers: MedGen C3149841, MONDO:0008263, OMIM 173900.

Submission:

Victorian Clinical Genetics Services, Murdoch Childrens Research Institute
Classification: Uncertain significance for Polycystic kidney disease, adult type. Last evaluated: 2024-10-09. Review status: criteria provided, single submitter. Criteria: ACMG Guidelines, 2015. Collection method: clinical testing. Allele origin: germline. Affected: yes.
Comment: This variant is classified as VUS-3A. Evidence in support of pathogenic classification: Variant is absent from gnomAD (v2, v3 and v4); Missense variant consistently predicted to be damaging by an in silico tool or highly conserved with a major amino acid change. Additional information: Variant is predicted to result in a missense amino acid change from cysteine to glycine; This variant is heterozygous; This gene is associated with autosomal dominant disease. Polycystic kidney disease 1 (MIM#173900) is predominantly caused by monoallelic variants, with rare reports of biallelic variants causing disease (OMIM); This variant has no previous evidence of pathogenicity; No published segregation evidence has been identified for this variant; No published functional evidence has been identified for this variant; Another missense variant(s) comparable to the one identified in this case has inconclusive previous evidence for pathogenicity. An alternative change at the same amino acid position, p.(Cys1375Tyr), has been reported as highly likely pathogenic in an individual with ADPKD who also harbours two other PKD1 variants (PMID: 22383692); Variant is located in the annotated PKD domain (DECIPHER); Loss of function is a known mechanism of disease in this gene and is associated with polycystic kidney disease 1 (MIM#173900); Inheritance information for this variant is not currently available in this individual.

Literature cited by the submitters: PubMed 22383692.

NM_001009944.3(PKD1):c.4123T>G (p.Cys1375Gly)

Gene: PKD1 (polycystin 1, transient receptor potential channel interacting; minus strand). Cytogenetic location: 16p13.3.
Variant type: single nucleotide variant.
Coding change: c.4123T>G on transcript NM_001009944.3 (MANE Select); coding-DNA position 4123, T replaced by G.
Protein change: p.Cys1375Gly; replaces cysteine 1375 with glycine.
Molecular consequence: missense variant.
Genome position (GRCh38, 1-based): chr16:2,111,044, A>C on the plus strand (T>G on the coding strand, the complement: PKD1 is on the minus strand). VCF-style: chr16-2111044-A-C. GRCh37 (hg19) VCF-style: chr16-2161045-A-C.
Other names: c.4123T>G, p.Cys1375Gly (NM_000296.4); short protein forms C1375G.
Identifiers: ClinVar variation 4531571 (VCV004531571.1).